The following is an entry in ClinVar:

NM_001349206.2(LPIN1):c.2652C>T (p.His884=)

Gene: LPIN1 (lipin 1; plus strand). Cytogenetic location: 2p25.1.
Variant type: single nucleotide variant.
Coding change: c.2652C>T on transcript NM_001349206.2 (MANE Select); coding-DNA position 2652, C replaced by T.
Protein change: p.His884=; no amino-acid change (histidine 884 retained).
Molecular consequence: synonymous variant. On other transcripts: non-coding transcript variant (1).
Genome position (GRCh38, 1-based): chr2:11,824,662, C>T. VCF-style: chr2-11824662-C-T. GRCh37 (hg19) VCF-style: chr2-11964788-C-T.
Other names: c.2544C>T (NM_145693.2); c.2562C>T, p.His854= (NM_001261427.3); c.2799C>T, p.His933= (NM_001261428.3); c.2544C>T, p.His848= (NM_001349199.2, NM_145693.4); c.2622C>T, p.His874= (NM_001349200.2, NM_001349201.2); c.2649C>T, p.His883= (NM_001349202.2, NM_001349203.2); c.2652C>T, p.His884= (NM_001349204.2, NM_001349205.2); c.2742C>T, p.His914= (NM_001349207.2); and 1 more.
Identifiers: ClinVar variation 2157994 (VCV002157994.6), dbSNP rs748840272, ClinGen allele CA1534166.

ClinVar aggregate classification (germline): Likely benign. Review status: criteria provided, single submitter (1 of 4 stars). 2 submissions from 2 submitters: Likely benign (1). 1 of the submissions does not count toward it. Last evaluated 2025-12-13.

Conditions:
LPIN1-related disorder. Also called: LPIN1-related condition.

Allele frequency attached by ClinVar (database versions not stated): gnomAD exomes 0.00001; ExAC 0.00002; TOPMed 0.00004; gnomAD 0.00009.
gnomAD v4.1: 33 of 1,613,952 alleles (0.002%); highest among the groups gnomAD compares: Middle Eastern, 0.033%; no homozygotes.

Submissions (2):

Labcorp Genetics (formerly Invitae), Labcorp
Classification: Likely benign. Last evaluated: 2025-12-13. Review status: criteria provided, single submitter. Criteria: Invitae Variant Classification Sherloc (09022015). Collection method: clinical testing. Allele origin: germline.

PreventionGenetics, part of Exact Sciences
Classification: Likely benign for LPIN1-related condition. Last evaluated: 2021-01-20. Review status: no assertion criteria provided. Collection method: clinical testing. Allele origin: germline. Not counted in ClinVar's aggregate classification.
Comment: This variant is classified as likely benign based on ACMG/AMP sequence variant interpretation guidelines (Richards et al. 2015 PMID: 25741868, with internal and published modifications).